The following is an entry in ClinVar:

NM_000350.3(ABCA4):c.302+4A>C

Gene: ABCA4 (ATP binding cassette subfamily A member 4; minus strand). Cytogenetic location: 1p22.1.
Variant type: single nucleotide variant.
Coding change: c.302+4A>C on transcript NM_000350.3 (MANE Select); 4 bases into the intron after coding-DNA position 302, A replaced by C.
Molecular consequence: intron variant.
Genome position (GRCh38, 1-based): chr1:94,111,434, T>G on the plus strand (A>C on the coding strand, the complement: ABCA4 is on the minus strand). VCF-style: chr1-94111434-T-G. GRCh37 (hg19) VCF-style: chr1-94576990-T-G.
Identifiers: ClinVar variation 866885 (VCV000866885.8), dbSNP rs1662599697, ClinGen allele CA645372153.

ClinVar aggregate classification (germline): Pathogenic/Likely pathogenic. Review status: criteria provided, multiple submitters, no conflicts (2 of 4 stars). 6 submissions from 6 submitters: Pathogenic (3); Likely pathogenic (3). Last evaluated 2026-08-12.

Conditions:
Retinitis pigmentosa 19 (RP19). Also called: ABCA4-Related Retinitis Pigmentosa. Identifiers: Orphanet 791, MedGen C1866422, MONDO:0011137, OMIM 601718.
Retinal disorder. Also called: Retinal disorders; Retinopathy; Retinopathies; Retinal Diseases. Identifiers: MedGen C0035309, MONDO:0005283, HP:0000488.
ABCA4-related disorder. Also called: ABCA4-related condition; ABCA4-related disorders. Identifiers: MedGen CN239167.
Cone-rod dystrophy 3 (CORD3). Identifiers: Orphanet 1872, MedGen C1858806, MONDO:0011395, OMIM 604116.
Severe early-childhood-onset retinal dystrophy (STGD1). Also called: Stargardt macular dystrophy; Juvenile onset macular degeneration; Stargardt disease 1; STGD; MACULAR DYSTROPHY WITH FLECKS, TYPE 1. Identifiers: Orphanet 364055, Orphanet 827, MedGen C1855465, MeSH D000080362, MONDO:0009549, OMIM 248200.
Age related macular degeneration 2. Also called: MACULOPATHY, AGE-RELATED; MACULAR DEGENERATION, SENILE; MACULOPATHY, AGE-RELATED, 2. Identifiers: MedGen C3495438, MONDO:0007932, OMIM 153800.
Retinitis pigmentosa (RP). Identifiers: Orphanet 791, MedGen C0035334, MeSH D012174, MONDO:0019200, OMIM 268000. Inheritance: Autosomal dominant, autosomal recessive and X linked inheritance.

Submissions (6):

Genetics Laboratory, Great Ormond Street Hospital NHS Foundation Trust, North Thames Genomic Laboratory Hub
Classification: Likely pathogenic for Retinal disorders. Last evaluated: 2026-08-12. Review status: criteria provided, single submitter. Criteria: ACGS Best Practice Guidelines for Variant Classification in Rare Disease 2024 v1.2. Collection method: clinical testing. Allele origin: germline. Affected: yes.
Comment: PM2_moderate, PVS1_strong, PM3_moderate

Labcorp Genetics (formerly Invitae), Labcorp
Classification: Pathogenic. Last evaluated: 2024-12-24. Review status: criteria provided, single submitter. Criteria: Invitae Variant Classification Sherloc (09022015). Collection method: clinical testing. Allele origin: germline.
Comment: This sequence change falls in intron 3 of the ABCA4 gene. It does not directly change the encoded amino acid sequence of the ABCA4 protein. It affects a nucleotide within the consensus splice site. This variant is not present in population databases (gnomAD no frequency). This variant has been observed in individuals with clincial features of ABCA4-related conditions (PMID: 22128245; internal data). ClinVar contains an entry for this variant (Variation ID: 866885). Variants that disrupt the consensus splice site are a relatively common cause of aberrant splicing (PMID: 17576681, 9536098). Studies have shown that this variant alters mRNA splicing and is expected to lead to the loss of protein expression (PMID: 29162642). This variant disrupts the c.302+4A nucleotide in the ABCA4 gene. Other variant(s) that disrupt this nucleotide have been determined to be pathogenic (PMID: 37217489; internal data). This suggests that this nucleotide is clinically significant, and that variants that disrupt this position are likely to be disease-causing. For these reasons, this variant has been classified as Pathogenic.

Blueprint Genetics
Classification: Likely pathogenic for ABCA4-related disorders. Last evaluated: 2024-06-03. Review status: criteria provided, single submitter. Criteria: ACMG Guidelines, 2015. Collection method: clinical testing. Allele origin: germline. Affected: yes. Observed: 5 variant alleles.

Fulgent Genetics
Classification: Pathogenic for Age related macular degeneration 2; Severe early-childhood-onset retinal dystrophy; Retinitis pigmentosa 19; Cone-rod dystrophy 3. Last evaluated: 2024-05-17. Review status: criteria provided, single submitter. Criteria: ACMG Guidelines, 2015. Collection method: clinical testing. Allele origin: germline.

Women's Health and Genetics/Laboratory Corporation of America, LabCorp
Classification: Pathogenic for Retinitis pigmentosa. Last evaluated: 2024-05-17. Review status: criteria provided, single submitter. Criteria: LabCorp Variant Classification Summary - May 2015. Collection method: clinical testing. Allele origin: germline.
Comment: Variant summary: ABCA4 c.302+4A>C alters a conserved nucleotide located close to a canonical splice site and therefore could affect mRNA splicing, leading to a significantly altered protein sequence. Several computational tools predict a significant impact on normal splicing: Three predict the variant weakens a 5' donor site. In vitro minigene splicing assays demonstrated complete skipping of exon 3 (out of frame, NMD expected) in the presence of this variant (example, Sangermano_2018). The variant was absent in 250798 control chromosomes. c.302+4A>C has been reported in the literature in the presumed compound heterozygous or homozygous states in multiple individuals affected with Stargardt disease and/or Retinitis Pigmentosa, including in at least 1 individual who carried a pathogenic variant in trans (example, Mena_2021, Siemiatkowska_2011). These data indicate that the variant is very likely to be associated with disease. The following publications have been ascertained in the context of this evaluation (PMID: 33841504, 29162642, 22128245). ClinVar contains an entry for this variant (Variation ID: 866885). Based on the evidence outlined above, the variant was classified as pathogenic.

3billion
Classification: Likely pathogenic for Retinitis pigmentosa 19. Last evaluated: 2023-12-19. Review status: criteria provided, single submitter. Criteria: ACMG Guidelines, 2015. Collection method: clinical testing. Allele origin: germline. Affected: yes.
Comment: The variant is not observed in the gnomAD v2.1.1 dataset. Predicted Consequence/Location: Intron variant: previously reported to result in skipping of exon3 from an in vitro assay (PMID: 29162642). Intron variant: previously reported to result in skipping of exon3 from an in vitro assay (PMID: 29162642). Therefore, this variant is classified as Likely pathogenic according to the recommendation of ACMG/AMP guideline.

Literature cited by the submitters: PubMed 22128245 (cited by 3 submitters); PubMed 17576681 (cited by Labcorp Genetics (formerly Invitae), Labcorp); PubMed 9536098 (cited by Labcorp Genetics (formerly Invitae), Labcorp); PubMed 29162642 (cited by 3 submitters); PubMed 37217489 (cited by Labcorp Genetics (formerly Invitae), Labcorp); PubMed 33841504 (cited by Women's Health and Genetics/Laboratory Corporation of America, LabCorp); PubMed 20029649 (cited by 3billion).